The following is an entry in ClinVar:

ClinVar aggregate classification (germline): Likely pathogenic (1 of 4 stars; one submission).

Submission:

Labcorp Genetics (formerly Invitae), Labcorp
Classification: Likely pathogenic. Last evaluated: 2024-05-22. Review status: criteria provided, single submitter. Criteria: Invitae Variant Classification Sherloc (09022015). Collection method: clinical testing. Allele origin: germline.
Comment: This sequence change replaces valine, which is neutral and non-polar, with alanine, which is neutral and non-polar, at codon 44 of the KCNJ11 protein (p.Val44Ala). This variant is not present in population databases (gnomAD no frequency). This variant has not been reported in the literature in individuals affected with KCNJ11-related conditions. Advanced modeling of protein sequence and biophysical properties (such as structural, functional, and spatial information, amino acid conservation, physicochemical variation, residue mobility, and thermodynamic stability) performed at Invitae indicates that this missense variant is expected to disrupt KCNJ11 protein function with a positive predictive value of 95%. This variant disrupts the p.Val44 amino acid residue in KCNJ11. Other variant(s) that disrupt this residue have been determined to be pathogenic (PMID: 27181376). This suggests that this residue is clinically significant, and that variants that disrupt this residue are likely to be disease-causing. In summary, the currently available evidence indicates that the variant is pathogenic, but additional data are needed to prove that conclusively. Therefore, this variant has been classified as Likely Pathogenic.

Literature cited by the submitters: PubMed 27181376.

NM_000525.4(KCNJ11):c.131T>C (p.Val44Ala)

Gene: KCNJ11 (potassium inwardly rectifying channel subfamily J member 11; minus strand). Cytogenetic location: 11p15.1.
Variant type: single nucleotide variant.
Coding change: c.131T>C on transcript NM_000525.4 (MANE Select); coding-DNA position 131, T replaced by C.
Protein change: p.Val44Ala; replaces valine 44 with alanine.
Molecular consequence: missense variant. On other transcripts: intron variant (3).
Genome position (GRCh38, 1-based): chr11:17,387,961, A>G on the plus strand (T>C on the coding strand, the complement: KCNJ11 is on the minus strand). VCF-style: chr11-17387961-A-G. GRCh37 (hg19) VCF-style: chr11-17409508-A-G.
Other names: c.-16-115T>C (NM_001166290.2, NM_001377297.1); c.-17+57T>C (NM_001377296.1); short protein forms V44A.
Identifiers: ClinVar variation 2767975 (VCV002767975.3), dbSNP rs2496412079, ClinGen allele CA379776612.